The following is an entry in ClinVar:

ClinVar aggregate classification (germline): Benign/Likely benign. Review status: criteria provided, multiple submitters, no conflicts (2 of 4 stars). 6 submissions from 6 submitters: Benign (1); Likely benign (5). Last evaluated 2025-12-04.

Conditions:
Hereditary cancer-predisposing syndrome. Also called: Hereditary Cancer Syndrome; Hereditary neoplastic syndrome; Tumor predisposition; Neoplastic Syndromes, Hereditary. Identifiers: Orphanet 140162, MedGen C0027672, MeSH D009386, MONDO:0015356.
Multiple endocrine neoplasia, type 1 (MEN1). Also called: MEN I; WERMER SYNDROME; Endocrine adenomatosis multiple; MEN 1; MEA I. Identifiers: Orphanet 652, MedGen C0025267, MeSH D018761, MONDO:0007540, OMIM 131100.

Allele frequency attached by ClinVar (database versions not stated): gnomAD 0.00003 and 0.00004; TOPMed 0.00003; ESP Exome Variant Server 0.00008.

Submissions (6):

Labcorp Genetics (formerly Invitae), Labcorp
Classification: Likely benign for Multiple endocrine neoplasia, type 1. Last evaluated: 2025-12-04. Review status: criteria provided, single submitter. Criteria: Invitae Variant Classification Sherloc (09022015). Collection method: clinical testing. Allele origin: germline.

Myriad Genetics, Inc.
Classification: Benign for Multiple endocrine neoplasia, type 1. Last evaluated: 2024-11-05. Review status: criteria provided, single submitter. Criteria: Myriad Autosomal Dominant, Autosomal Recessive and X-Linked Classification Criteria (2023). Collection method: clinical testing. Allele origin: unknown.
Comment: This variant is considered benign. This variant is a silent/synonymous amino acid change and it is not expected to impact splicing.

All of Us Research Program, National Institutes of Health
Classification: Likely benign for Multiple endocrine neoplasia, type 1. Last evaluated: 2024-01-11. Review status: criteria provided, single submitter. Criteria: ACMG Guidelines, 2015. Collection method: clinical testing. Allele origin: germline. Inheritance: Autosomal dominant inheritance. Observed: 3 variant alleles, 3 heterozygotes.
Comment: This study involves interpretation of variants in research participants for the purpose of population health screening. Participant phenotype was not available at the time of variant classification. Additional details can be found in publication PMID: 35346344, PMCID: PMC8962531

Color Diagnostics, LLC DBA Color Health
Classification: Likely benign for Multiple endocrine neoplasia, type 1. Last evaluated: 2022-09-23. Review status: criteria provided, single submitter. Criteria: ACMG Guidelines, 2015. Collection method: clinical testing. Allele origin: germline.

Ambry Genetics
Classification: Likely benign for Hereditary cancer-predisposing syndrome. Last evaluated: 2020-12-17. Review status: criteria provided, single submitter. Criteria: Ambry Variant Classification Scheme 2023. Collection method: clinical testing. Allele origin: germline.

GeneDx
Classification: Likely benign. Last evaluated: 2018-01-03. Review status: criteria provided, single submitter. Criteria: GeneDx Variant Classification (06012015). Collection method: clinical testing. Allele origin: germline. Affected: yes.
Comment: This variant is considered likely benign or benign based on one or more of the following criteria: it is a conservative change, it occurs at a poorly conserved position in the protein, it is predicted to be benign by multiple in silico algorithms, and/or has population frequency not consistent with disease.

NM_001370259.2(MEN1):c.1800G>T (p.Leu600=)

Gene: MEN1 (menin 1; minus strand). Cytogenetic location: 11q13.1.
Variant type: single nucleotide variant.
Coding change: c.1800G>T on transcript NM_001370259.2 (MANE Select); coding-DNA position 1800, G replaced by T.
Protein change: p.Leu600=; no amino-acid change (leucine 600 retained).
Molecular consequence: synonymous variant.
Genome position (GRCh38, 1-based): chr11:64,804,367, C>A on the plus strand (G>T on the coding strand, the complement: MEN1 is on the minus strand). VCF-style: chr11-64804367-C-A. GRCh37 (hg19) VCF-style: chr11-64571839-C-A.
Other names: c.1815G>T, p.Leu605= (NM_000244.4, NM_130800.3, NM_130801.3 and 3 more transcripts); c.1926G>T, p.Leu642= (NM_001370251.2); c.1800G>T, p.Leu600= (NM_001370260.2, NM_001370261.2, NM_130799.3); c.1695G>T, p.Leu565= (NM_001370262.2, NM_001370263.2).
Identifiers: ClinVar variation 457316 (VCV000457316.17), dbSNP rs148825200, ClinGen allele CA060968.